The following is an entry in ClinVar:

ClinVar aggregate classification (germline): Uncertain significance (1 of 4 stars; one submission).

Submission:

Labcorp Genetics (formerly Invitae), Labcorp
Classification: Uncertain significance. Last evaluated: 2025-11-28. Review status: criteria provided, single submitter. Criteria: Invitae Variant Classification Sherloc (09022015). Collection method: clinical testing. Allele origin: germline.
Comment: This sequence change replaces valine, which is neutral and non-polar, with methionine, which is neutral and non-polar, at codon 178 of the IHH protein (p.Val178Met). This variant is not present in population databases (gnomAD no frequency). This missense change has been observed in individual(s) with short stature and shortened phalanges (PMID: 29155992). ClinVar contains an entry for this variant (Variation ID: 1496389). Invitae Evidence Modeling of protein sequence and biophysical properties (such as structural, functional, and spatial information, amino acid conservation, physicochemical variation, residue mobility, and thermodynamic stability) indicates that this missense variant is expected to disrupt IHH protein function with a positive predictive value of 80%. In summary, the available evidence is currently insufficient to determine the role of this variant in disease. Therefore, it has been classified as a Variant of Uncertain Significance.

Literature cited by the submitters: PubMed 29155992.

NM_002181.4(IHH):c.532G>A (p.Val178Met)

Gene: IHH (Indian hedgehog signaling molecule; minus strand). Cytogenetic location: 2q35.
Variant type: single nucleotide variant.
Coding change: c.532G>A on transcript NM_002181.4 (MANE Select); coding-DNA position 532, G replaced by A.
Protein change: p.Val178Met; replaces valine 178 with methionine.
Molecular consequence: missense variant.
Genome position (GRCh38, 1-based): chr2:219,057,478, C>T on the plus strand (G>A on the coding strand, the complement: IHH is on the minus strand). VCF-style: chr2-219057478-C-T. GRCh37 (hg19) VCF-style: chr2-219922200-C-T.
Other names: short protein forms V178M.
Identifiers: ClinVar variation 1496389 (VCV001496389.6), dbSNP rs1948841657, ClinGen allele CA350634189.
Genomic context (GRCh38, chr2:219,057,478, plus strand): 5'-CCGGCGGCGGCTCACCGGACTTGACGGAGCAATGCACGTGGGCCTTTGACTCGTAATACA[C>T]CCAGTCAAAGCCGGCCTCCACTGCCAAGCGCGCCAGCAGTCCATACTTATTGCGGTCGCG-3'
Protein context (NP_002172.2, residues 168-188): RLAVEAGFDW[Val178Met]YYESKAHVHC